The following is an entry in ClinVar:

ClinVar aggregate classification (germline): Likely benign. Review status: criteria provided, multiple submitters, no conflicts (2 of 4 stars). 4 submissions from 4 submitters: Likely benign (4). Last evaluated 2025-10-19.

Conditions:
Marfan syndrome (MFS). Also called: Marfan syndrome, classic; Marfan syndrome type 1; Marfan's syndrome; MARFAN SYNDROME, TYPE I; FBN1-Related Marfan Syndrome. Identifiers: Orphanet 284963, Orphanet 558, MedGen C0024796, MONDO:0007947, OMIM 154700.
Familial thoracic aortic aneurysm and aortic dissection (TAAD). Also called: Thoracic aortic aneurysms and dissections. Identifiers: Orphanet 91387, MedGen C4707243, MONDO:0019625.

Allele frequency attached by ClinVar (database versions not stated): ExAC 0.00003; TOPMed 0.00007; gnomAD 0.00009; 1000 Genomes Project 30x 0.00047; gnomAD exomes 0.00006; 1000 Genomes Project 0.00040.
gnomAD v4.1: 59 of 1,608,318 alleles (0.0037%); highest among the groups gnomAD compares: East Asian, 0.029%; no homozygotes.

Submissions (4):

Labcorp Genetics (formerly Invitae), Labcorp
Classification: Likely benign for Marfan syndrome; Familial thoracic aortic aneurysm and aortic dissection. Last evaluated: 2025-10-19. Review status: criteria provided, single submitter. Criteria: Invitae Variant Classification Sherloc (09022015). Collection method: clinical testing. Allele origin: germline.

Women's Health and Genetics/Laboratory Corporation of America, LabCorp
Classification: Likely benign. Last evaluated: 2024-11-04. Review status: criteria provided, single submitter. Criteria: LabCorp Variant Classification Summary - May 2015. Collection method: clinical testing. Allele origin: germline.

ARUP Laboratories, Molecular Genetics and Genomics, ARUP Laboratories
Classification: Likely benign. Last evaluated: 2020-04-23. Review status: criteria provided, single submitter. Criteria: ARUP Molecular Germline Variant Investigation Process. Collection method: clinical testing. Allele origin: germline.

GeneDx
Classification: Likely benign. Last evaluated: 2015-11-30. Review status: criteria provided, single submitter. Criteria: GeneDx Variant Classification (06012015). Collection method: clinical testing. Allele origin: germline. Affected: yes.
Comment: This variant is considered likely benign or benign based on one or more of the following criteria: it is a conservative change, it occurs at a poorly conserved position in the protein, it is predicted to be benign by multiple in silico algorithms, and/or has population frequency not consistent with disease.

NM_000138.5(FBN1):c.5296+12C>T

Gene: FBN1 (fibrillin 1; minus strand). Cytogenetic location: 15q21.1.
Variant type: single nucleotide variant.
Coding change: c.5296+12C>T on transcript NM_000138.5 (MANE Select); 12 bases into the intron after coding-DNA position 5296, C replaced by T.
Molecular consequence: intron variant.
Genome position (GRCh38, 1-based): chr15:48,460,234, G>A on the plus strand (C>T on the coding strand, the complement: FBN1 is on the minus strand). VCF-style: chr15-48460234-G-A. GRCh37 (hg19) VCF-style: chr15-48752431-G-A.
Identifiers: ClinVar variation 381905 (VCV000381905.18), dbSNP rs566030960, ClinGen allele CA054603.
Genomic context (GRCh38, chr15:48,460,234, plus strand): 5'-TGGGAACTGAAAAAATAATGCTAACACAAAGGCAAAAAACCAGAAAGTTCTGACAATGCC[G>A]TCATGACTCACCAACGGGTAAACCGGTATAAATGTCGATGACAAAGCCTGGCCTTTGACT-3'